The following is an entry in ClinVar:

ClinVar aggregate classification (germline): Likely benign (1 of 4 stars; one submission).

Allele frequency attached by ClinVar (database versions not stated): gnomAD 0.00001; gnomAD exomes 0.00001 and 0.00002; TOPMed 0.00002.
gnomAD v4.1: 28 of 1,595,074 alleles (0.0018%); highest among the groups gnomAD compares: Non-Finnish European, 0.0024%; no homozygotes.

Submission:

GeneDx
Classification: Likely benign. Last evaluated: 2017-01-26. Review status: criteria provided, single submitter. Criteria: GeneDx Variant Classification (06012015). Collection method: clinical testing. Allele origin: germline. Affected: yes.
Comment: This variant is considered likely benign or benign based on one or more of the following criteria: it is a conservative change, it occurs at a poorly conserved position in the protein, it is predicted to be benign by multiple in silico algorithms, and/or has population frequency not consistent with disease.

NM_002887.4(RARS1):c.46-16G>T

Gene: RARS1 (arginyl-tRNA synthetase 1; plus strand). Cytogenetic location: 5q34.
Variant type: single nucleotide variant.
Coding change: c.46-16G>T on transcript NM_002887.4 (MANE Select); 16 bases into the intron before coding-DNA position 46, G replaced by T.
Molecular consequence: intron variant.
Genome position (GRCh38, 1-based): chr5:168,488,586, G>T. VCF-style: chr5-168488586-G-T. GRCh37 (hg19) VCF-style: chr5-167915591-G-T.
Identifiers: ClinVar variation 506932 (VCV000506932.1), dbSNP rs1418866750, ClinGen allele CA564065071.